The following is an entry in ClinVar:

NM_033409.4(SLC52A3):c.503A>G (p.Asn168Ser)

Gene: SLC52A3 (solute carrier family 52 member 3; minus strand). Cytogenetic location: 20p13.
Variant type: single nucleotide variant.
Coding change: c.503A>G on transcript NM_033409.4 (MANE Select); coding-DNA position 503, A replaced by G.
Protein change: p.Asn168Ser; replaces asparagine 168 with serine.
Molecular consequence: missense variant.
Genome position (GRCh38, 1-based): chr20:765,272, T>C on the plus strand (A>G on the coding strand, the complement: SLC52A3 is on the minus strand). VCF-style: chr20-765272-T-C. GRCh37 (hg19) VCF-style: chr20-745916-T-C.
Other names: c.503A>G, p.Asn168Ser (NM_001370085.1, NM_001370086.1); short protein forms N168S.
Identifiers: ClinVar variation 2197501 (VCV002197501.4), dbSNP rs759513169, ClinGen allele CA9724767.

ClinVar aggregate classification (germline): Uncertain significance (1 of 4 stars; one submission).

Conditions:
Brown-Vialetto-van Laere syndrome 1. Also called: BROWN-VIALETTO-VAN LAERE SYNDROME 1, MILD; BULBAR PALSY, PROGRESSIVE, WITH SENSORINEURAL DEAFNESS; PONTOBULBAR PALSY WITH DEAFNESS. Identifiers: Orphanet 572550, Orphanet 97229, MedGen C0796274, MONDO:0024537, OMIM 211530.

Allele frequency attached by ClinVar (database versions not stated): ExAC 0.00001.
gnomAD v4.1: 10 of 1,614,118 alleles (0.00062%); highest among the groups gnomAD compares: Non-Finnish European, 0.00085%; no homozygotes.

Submission:

Labcorp Genetics (formerly Invitae), Labcorp
Classification: Uncertain significance for Brown-Vialetto-van Laere syndrome 1. Last evaluated: 2022-06-28. Review status: criteria provided, single submitter. Criteria: Invitae Variant Classification Sherloc (09022015). Collection method: clinical testing. Allele origin: germline.
Comment: This variant has not been reported in the literature in individuals affected with SLC52A3-related conditions. This sequence change replaces asparagine, which is neutral and polar, with serine, which is neutral and polar, at codon 168 of the SLC52A3 protein (p.Asn168Ser). This variant is not present in population databases (gnomAD no frequency). Algorithms developed to predict the effect of missense changes on protein structure and function output the following: SIFT: "Tolerated"; PolyPhen-2: "Probably Damaging"; Align-GVGD: "Class C0". The serine amino acid residue is found in multiple mammalian species, which suggests that this missense change does not adversely affect protein function. In summary, the available evidence is currently insufficient to determine the role of this variant in disease. Therefore, it has been classified as a Variant of Uncertain Significance.